The following is an entry in ClinVar:

NM_005529.7(HSPG2):c.8609G>A (p.Arg2870Gln)

Gene: HSPG2 (heparan sulfate proteoglycan 2; minus strand). Cytogenetic location: 1p36.12.
Variant type: single nucleotide variant.
Coding change: c.8609G>A on transcript NM_005529.7 (MANE Select); coding-DNA position 8609, G replaced by A.
Protein change: p.Arg2870Gln; replaces arginine 2870 with glutamine.
Molecular consequence: missense variant.
Genome position (GRCh38, 1-based): chr1:21,844,155, C>T on the plus strand (G>A on the coding strand, the complement: HSPG2 is on the minus strand). VCF-style: chr1-21844155-C-T. GRCh37 (hg19) VCF-style: chr1-22170648-C-T.
Other names: c.8609G>A (NM_005529.6, NM_005529.5); c.8612G>A, p.Arg2871Gln (NM_001291860.2); short protein forms R2870Q, R2871Q.
Identifiers: ClinVar variation 1015533 (VCV001015533.14), dbSNP rs111846397, ClinGen allele CA670726.
Genomic context (GRCh38, chr1:21,844,155, plus strand): 5'-GCAGGACCACTGCAGGTGTGGAGGATGCATGCATCCTTCTCCAGCTCCTTTACCTGGTGC[C>T]GGGCAGGGAGGTTTCCTCCACGCTTGTGCCACGTGACCTGGGCGTGGGCCTGCCCGGGCA-3'
Protein context (NP_005520.4, residues 2860-2880): WHKRGGNLPA[Arg2870Gln]HQVHGPLLRL

ClinVar aggregate classification (germline): Conflicting classifications of pathogenicity. Review status: criteria provided, conflicting classifications (1 of 4 stars). 5 submissions from 5 submitters: Uncertain significance (3); Likely benign (2). Last evaluated 2025-08-26.

Conditions:
HSPG2-related disorder. Also called: HSPG2-related condition; HSPG2-related disorders.
Inborn genetic diseases. Identifiers: MedGen C0950123, MeSH D030342.

Allele frequency attached by ClinVar (database versions not stated): TOPMed 0.00054; 1000 Genomes Project 0.00060; ESP Exome Variant Server 0.00077; 1000 Genomes Project 30x 0.00078.
gnomAD v4.1: 242 of 1,613,060 alleles (0.015%); highest among the groups gnomAD compares: African/African-American, 0.2%; 1 homozygote.

Submissions (5):

PreventionGenetics, part of Exact Sciences
Classification: Likely benign for HSPG2-related condition. Last evaluated: 2025-08-26. Review status: criteria provided, single submitter. Criteria: ACMG Guidelines, 2015. Collection method: clinical testing. Allele origin: germline.
Comment: This variant is classified as likely benign based on ACMG/AMP sequence variant interpretation guidelines (Richards et al. 2015 PMID: 25741868, with internal and published modifications).

Labcorp Genetics (formerly Invitae), Labcorp
Classification: Likely benign. Last evaluated: 2025-08-18. Review status: criteria provided, single submitter. Criteria: Invitae Variant Classification Sherloc (09022015). Collection method: clinical testing. Allele origin: germline.

Blueprint Genetics
Classification: Uncertain significance. Last evaluated: 2024-07-11. Review status: criteria provided, single submitter. Criteria: ACMG Guidelines, 2015. Collection method: clinical testing. Allele origin: germline.

Ambry Genetics
Classification: Uncertain significance for Inborn genetic diseases. Last evaluated: 2021-02-19. Review status: criteria provided, single submitter. Criteria: Ambry Variant Classification Scheme 2023. Collection method: clinical testing. Allele origin: germline.
Comment: The c.8609G>A (p.R2870Q) alteration is located in exon 64 (coding exon 64) of the HSPG2 gene. This alteration results from a G to A substitution at nucleotide position 8609, causing the arginine (R) at amino acid position 2870 to be replaced by a glutamine (Q). The p.R2870Q alteration is predicted to be tolerated by in silico analysis. Based on insufficient or conflicting evidence, the clinical significance of this alteration remains unclear.

Revvity Omics, Revvity
Classification: Uncertain significance. Last evaluated: 2019-10-01. Review status: criteria provided, single submitter. Criteria: ACMG Guidelines, 2015. Collection method: clinical testing. Allele origin: germline.